The following is an entry in ClinVar:

NM_014669.5(NUP93):c.2280T>C (p.Phe760=)

Gene: NUP93 (nucleoporin 93; plus strand). Cytogenetic location: 16q13.
Variant type: single nucleotide variant.
Coding change: c.2280T>C on transcript NM_014669.5 (MANE Select); coding-DNA position 2280, T replaced by C.
Protein change: p.Phe760=; no amino-acid change (phenylalanine 760 retained).
Molecular consequence: synonymous variant.
Genome position (GRCh38, 1-based): chr16:56,841,764, T>C. VCF-style: chr16-56841764-T-C. GRCh37 (hg19) VCF-style: chr16-56875676-T-C.
Other names: c.1911T>C, p.Phe637= (NM_001242795.2, NM_001242796.2); c.2280T>C (NM_014669.4).
Identifiers: ClinVar variation 2895718 (VCV002895718.5), dbSNP rs374313794, ClinGen allele CA8068733.

ClinVar aggregate classification (germline): Likely benign. Review status: criteria provided, single submitter (1 of 4 stars). 2 submissions from 2 submitters: Likely benign (1). 1 of the submissions does not count toward it. Last evaluated 2025-11-11.

Conditions:
NUP93-related disorder. Also called: NUP93-related condition.

Allele frequency attached by ClinVar (database versions not stated): ESP Exome Variant Server 0.00008.
gnomAD v4.1: 359 of 1,614,054 alleles (0.022%); highest among the groups gnomAD compares: Non-Finnish European, 0.028%; 1 homozygote.

Submissions (2):

Labcorp Genetics (formerly Invitae), Labcorp
Classification: Likely benign. Last evaluated: 2025-11-11. Review status: criteria provided, single submitter. Criteria: Invitae Variant Classification Sherloc (09022015). Collection method: clinical testing. Allele origin: germline.

PreventionGenetics, part of Exact Sciences
Classification: Likely benign for NUP93-related condition. Last evaluated: 2021-10-19. Review status: no assertion criteria provided. Collection method: clinical testing. Allele origin: germline. Not counted in ClinVar's aggregate classification.
Comment: This variant is classified as likely benign based on ACMG/AMP sequence variant interpretation guidelines (Richards et al. 2015 PMID: 25741868, with internal and published modifications).